The following is an entry in ClinVar:

NM_015602.4(TOR1AIP1):c.1568T>A (p.Leu523Gln)

Gene: TOR1AIP1 (torsin 1A interacting protein 1; plus strand). Cytogenetic location: 1q25.2.
Variant type: single nucleotide variant.
Coding change: c.1568T>A on transcript NM_015602.4 (MANE Select); coding-DNA position 1568, T replaced by A.
Protein change: p.Leu523Gln; replaces leucine 523 with glutamine.
Molecular consequence: missense variant.
Genome position (GRCh38, 1-based): chr1:179,918,055, T>A. VCF-style: chr1-179918055-T-A. GRCh37 (hg19) VCF-style: chr1-179887190-T-A.
Other names: c.1571T>A, p.Leu524Gln (NM_001267578.2); short protein forms L524Q, L523Q.
Identifiers: ClinVar variation 643510 (VCV000643510.9), dbSNP rs201388189, ClinGen allele CA1269161.
Genomic context (GRCh38, chr1:179,918,055, plus strand): 5'-TCAAAGATGTAGCCTTAGTCCTGACTGTCTTATTGGAGGAAGAGACACTTGGAACAAGTC[T>A]AGGCCTAAAGGAAGTTGAAGAAAAAGTAAGAGATTTTCTTAAAGTCAAGTTCACCAATTC-3'
Protein context (NP_056417.2, residues 513-533): LLEEETLGTS[Leu523Gln]GLKEVEEKVR

ClinVar aggregate classification (germline): Uncertain significance (1 of 4 stars; one submission).

Conditions:
Autosomal recessive limb-girdle muscular dystrophy type 2Y (MRRSDC). Also called: Muscular dystrophy, limb-girdle, type 2y; Muscular dystrophy, autosomal recessive, with rigid spine and distal joint contractures. Identifiers: Orphanet 424261, MedGen C4511482, MONDO:0014900, OMIM 617072.

Allele frequency attached by ClinVar (database versions not stated): gnomAD exomes below 0.00001; ExAC 0.00001; gnomAD 0.00001; 1000 Genomes Project 30x 0.00016; 1000 Genomes Project 0.00020.
gnomAD v4.1: 1 of 1,614,234 alleles (0.000062%); highest among the groups gnomAD compares: East Asian, 0.0022%; no homozygotes.

Submission:

Labcorp Genetics (formerly Invitae), Labcorp
Classification: Uncertain significance for Autosomal recessive limb-girdle muscular dystrophy type 2Y. Last evaluated: 2018-09-21. Review status: criteria provided, single submitter. Criteria: Invitae Variant Classification Sherloc (09022015). Collection method: clinical testing. Allele origin: germline.
Comment: Algorithms developed to predict the effect of missense changes on protein structure and function are either unavailable or do not agree on the potential impact of this missense change (SIFT: "Tolerated"; PolyPhen-2: "Probably Damaging"; Align-GVGD: "Class C0"). This variant has not been reported in the literature in individuals with TOR1AIP1-related disease. This variant is present in population databases (rs201388189, ExAC 0.01%). This sequence change replaces leucine with glutamine at codon 524 of the TOR1AIP1 protein (p.Leu524Gln). The leucine residue is moderately conserved and there is a moderate physicochemical difference between leucine and glutamine. In summary, the available evidence is currently insufficient to determine the role of this variant in disease. Therefore, it has been classified as a Variant of Uncertain Significance.